The following is an entry in ClinVar:

ClinVar aggregate classification (germline): Benign/Likely benign. Review status: criteria provided, multiple submitters, no conflicts (2 of 4 stars). 4 submissions from 4 submitters: Benign (1); Likely benign (2). 1 of the submissions does not count toward it. Last evaluated 2025-10-26.

Conditions:
COL4A2-related disorder. Also called: COL4A2-related disorders; COL4A2-related condition.

Allele frequency attached by ClinVar (database versions not stated): gnomAD 0.00006 and 0.00013; TOPMed 0.00009; gnomAD exomes 0.00016 and 0.00054; 1000 Genomes Project 30x 0.00094; 1000 Genomes Project 0.00100; ExAC 0.00178.
gnomAD v4.1: 273 of 1,528,862 alleles (0.018%); highest among the groups gnomAD compares: South Asian, 0.25%; 2 homozygotes.

Submissions (4):

Labcorp Genetics (formerly Invitae), Labcorp
Classification: Benign. Last evaluated: 2025-10-26. Review status: criteria provided, single submitter. Criteria: Invitae Variant Classification Sherloc (09022015). Collection method: clinical testing. Allele origin: germline.

Mayo Clinic Laboratories, Mayo Clinic
Classification: Likely benign. Last evaluated: 2025-08-20. Review status: criteria provided, single submitter. Criteria: ACMG Guidelines, 2015. Collection method: clinical testing. Allele origin: germline. Observed: 1 variant allele.
Comment: BS1, BP4, BP7

Blueprint Genetics
Classification: Likely benign. Last evaluated: 2024-11-08. Review status: criteria provided, single submitter. Criteria: ACMG Guidelines, 2015. Collection method: clinical testing. Allele origin: germline.

PreventionGenetics, part of Exact Sciences
Classification: Likely benign for COL4A2-related condition. Last evaluated: 2022-04-12. Review status: no assertion criteria provided. Collection method: clinical testing. Allele origin: germline. Not counted in ClinVar's aggregate classification.
Comment: This variant is classified as likely benign based on ACMG/AMP sequence variant interpretation guidelines (Richards et al. 2015 PMID: 25741868, with internal and published modifications).

NM_001846.4(COL4A2):c.2331G>A (p.Leu777=)

Gene: COL4A2 (collagen type IV alpha 2 chain; plus strand). Cytogenetic location: 13q34.
Variant type: single nucleotide variant.
Coding change: c.2331G>A on transcript NM_001846.4 (MANE Select); coding-DNA position 2331, G replaced by A.
Protein change: p.Leu777=; no amino-acid change (leucine 777 retained).
Molecular consequence: synonymous variant.
Genome position (GRCh38, 1-based): chr13:110,473,056, G>A. VCF-style: chr13-110473056-G-A. GRCh37 (hg19) VCF-style: chr13-111125403-G-A.
Other names: p.Leu777=.
Identifiers: ClinVar variation 790872 (VCV000790872.13), dbSNP rs369620826, ClinGen allele CA7049892.